The following is an entry in ClinVar:

NM_001267550.2(TTN):c.74596A>G (p.Thr24866Ala)

Genes: TTN (titin; minus strand), TTN-AS1 (TTN antisense RNA 1; plus strand). Cytogenetic location: 2q31.2.
Variant type: single nucleotide variant.
Coding change: c.74596A>G on transcript NM_001267550.2 (MANE Select); coding-DNA position 74596, A replaced by G.
Protein change: p.Thr24866Ala; replaces threonine 24866 with alanine.
Molecular consequence: missense variant.
Genome position (GRCh38, 1-based): chr2:178,571,536, T>C on the plus strand (A>G on the coding strand, the complement: TTN is on the minus strand). VCF-style: chr2-178571536-T-C. GRCh37 (hg19) VCF-style: chr2-179436263-T-C.
Other names: p.T23225A:ACA>GCA; p.Thr23225Ala; c.69673A>G, p.Thr23225Ala (NM_001256850.1); c.47401A>G, p.Thr15801Ala (NM_003319.4); c.47776A>G, p.Thr15926Ala (NM_133432.3); c.47977A>G, p.Thr15993Ala (NM_133437.4); c.66892A>G, p.Thr22298Ala (NM_133378.4); short protein forms T24866A, T23225A, T15801A, T15926A, T15993A.
Identifiers: ClinVar variation 96303 (VCV000096303.30), dbSNP rs199784966, ClinGen allele CA285779.
Genomic context (GRCh38, chr2:178,571,536, plus strand): 5'-CAGCTGCAATTCTAAACTGATATTCACATCCAGTCTTCAGTCTGCAAGCCTTTATTGTTG[T>C]CCTTGCAACTGTAGCTGATACAATTTGCCAGGTGGTTGTGGAAGTGTCCCGTTTCTCAAC-3'
Protein context (NP_001254479.2, residues 24856-24876): WQIVSATVAR[Thr24866Ala]TIKACRLKTG

ClinVar aggregate classification (germline): Conflicting classifications of pathogenicity. Review status: criteria provided, conflicting classifications (1 of 4 stars). 11 submissions from 11 submitters: Uncertain significance (2); Benign (2); Likely benign (7). Last evaluated 2026-09-21.

Conditions:
TTN-related disorder. Also called: TTN-related disorders; TTN-related condition; TTN-related disease.
Cardiovascular phenotype. Identifiers: MedGen CN230736.
Dilated cardiomyopathy 1G (CMD1G). Identifiers: Orphanet 154, MedGen C1858763, MONDO:0011400, OMIM 604145.
Autosomal recessive limb-girdle muscular dystrophy type 2J (LGMDR10). Also called: Limb-girdle muscular dystrophy, type 2J; MUSCULAR DYSTROPHY, LIMB-GIRDLE, AUTOSOMAL RECESSIVE 10. Identifiers: Orphanet 140922, MedGen C1837342, MONDO:0012127, OMIM 608807.
Cardiomyopathy (CMYO). Also called: Cardiomyopathies. Identifiers: Orphanet 167848, MedGen C0878544, MONDO:0004994, HP:0001638. Inheritance: Various modes of inheritance.

Allele frequency attached by ClinVar (database versions not stated): 1000 Genomes Project 30x 0.00016; gnomAD exomes 0.00006 and 0.00015; gnomAD 0.00064 and 0.00060; 1000 Genomes Project 0.00020; ESP Exome Variant Server 0.00067; ExAC 0.00022; TOPMed 0.00066.
gnomAD v4.1: 179 of 1,613,290 alleles (0.011%); highest among the groups gnomAD compares: African/African-American, 0.23%; no homozygotes.

Submissions (11):

Molecular Diagnostic Laboratory for Inherited Cardiovascular Disease, Montreal Heart Institute
Classification: Likely benign. Last evaluated: 2026-09-21. Review status: criteria provided, single submitter. Criteria: ACMG Guidelines, 2015. Collection method: clinical testing. Allele origin: germline. Affected: no.

Labcorp Genetics (formerly Invitae), Labcorp
Classification: Likely benign for Dilated cardiomyopathy 1G; Autosomal recessive limb-girdle muscular dystrophy type 2J. Last evaluated: 2026-01-27. Review status: criteria provided, single submitter. Criteria: Invitae Variant Classification Sherloc (09022015). Collection method: clinical testing. Allele origin: germline.

PreventionGenetics, part of Exact Sciences
Classification: Likely benign for TTN-related condition. Last evaluated: 2025-02-12. Review status: criteria provided, single submitter. Criteria: ACMG Guidelines, 2015. Collection method: clinical testing. Allele origin: germline.
Comment: This variant is classified as likely benign based on ACMG/AMP sequence variant interpretation guidelines (Richards et al. 2015 PMID: 25741868, with internal and published modifications).

Mayo Clinic Laboratories, Mayo Clinic
Classification: Likely benign. Last evaluated: 2024-11-29. Review status: criteria provided, single submitter. Criteria: ACMG Guidelines, 2015. Collection method: clinical testing. Allele origin: germline. Observed: 2 variant alleles.
Comment: BS1, BP1

Blueprint Genetics
Classification: Likely benign. Last evaluated: 2023-10-02. Review status: criteria provided, single submitter. Criteria: ACMG Guidelines, 2015. Collection method: clinical testing. Allele origin: germline.

CHEO Genetics Diagnostic Laboratory, Children's Hospital of Eastern Ontario
Classification: Benign for Cardiomyopathy. Last evaluated: 2023-06-02. Review status: criteria provided, single submitter. Criteria: ACMG Guidelines, 2015. Collection method: clinical testing. Allele origin: germline.

Women's Health and Genetics/Laboratory Corporation of America, LabCorp
Classification: Likely benign. Last evaluated: 2022-05-02. Review status: criteria provided, single submitter. Criteria: LabCorp Variant Classification Summary - May 2015. Collection method: clinical testing. Allele origin: germline.
Comment: Variant summary: TTN c.66892A>G (p.Thr22298Ala) results in a non-conservative amino acid change located in the A-band of the encoded protein sequence. Four of five in-silico tools predict a damaging effect of the variant on protein function. The variant allele was found at a frequency of 0.00015 in 247246 control chromosomes, predominantly at a frequency of 0.0022 within the African or African-American subpopulation in the gnomAD database. The observed variant frequency within African or African-American control individuals in the gnomAD database is approximately 6 fold of the estimated maximal expected allele frequency for a pathogenic variant in TTN causing Dilated Cardiomyopathy phenotype (0.00039), strongly suggesting that the variant is a benign polymorphism found primarily in populations of African or African-American origin. Four clinical diagnostic laboratories have submitted clinical-significance assessments for this variant to ClinVar after 2014 without evidence for independent evaluation (benign/likely benign n=3, VUS n=1). Based on the evidence outlined above, the variant was classified as likely benign.

GeneDx
Classification: Likely benign. Last evaluated: 2021-02-25. Review status: criteria provided, single submitter. Criteria: GeneDx Variant Classification Process June 2021. Collection method: clinical testing. Allele origin: germline. Affected: yes.
Comment: This variant is associated with the following publications: (PMID: 29540445)

Revvity Omics, Revvity
Classification: Uncertain significance. Last evaluated: 2020-12-10. Review status: criteria provided, single submitter. Criteria: ACMG Guidelines, 2015. Collection method: clinical testing. Allele origin: germline.

Ambry Genetics
Classification: Benign for Cardiovascular phenotype. Last evaluated: 2020-04-14. Review status: criteria provided, single submitter. Criteria: Ambry Variant Classification Scheme 2023. Collection method: clinical testing. Allele origin: germline.

Eurofins Ntd Llc (ga)
Classification: Uncertain significance. Last evaluated: 2015-09-14. Review status: criteria provided, single submitter. Criteria: EGL Classification Definitions 2015. Collection method: clinical testing. Allele origin: germline. Observed: 1 variant allele, 1 heterozygote.